The following is an entry in ClinVar:

NM_000216.4(ANOS1):c.1111G>A (p.Val371Ile)

Gene: ANOS1 (anosmin 1; minus strand). Cytogenetic location: Xp22.31.
Variant type: single nucleotide variant.
Coding change: c.1111G>A on transcript NM_000216.4 (MANE Select); coding-DNA position 1111, G replaced by A.
Protein change: p.Val371Ile; replaces valine 371 with isoleucine.
Molecular consequence: missense variant.
Genome position (GRCh38, 1-based): chrX:8,568,328, C>T on the plus strand (G>A on the coding strand, the complement: ANOS1 is on the minus strand). VCF-style: chrX-8568328-C-T. GRCh37 (hg19) VCF-style: chrX-8536369-C-T.
Other names: c.1111G>A (NM_000216.3); short protein forms V371I.
Identifiers: ClinVar variation 1344766 (VCV001344766.3), dbSNP rs1490275516, ClinGen allele CA411994892.

ClinVar aggregate classification (germline): Uncertain significance. Review status: no assertion criteria provided (0 of 4 stars). 2 submissions from 2 submitters: Uncertain significance (2). Last evaluated 2024-01-19.

Conditions:
Amenorrhea. Identifiers: MedGen C0002453, MONDO:0001836, HP:0000141.
ANOS1-related disorder. Also called: ANOS1-related condition.

Allele frequency attached by ClinVar (database versions not stated): gnomAD exomes 0.00001 and 0.00002.
gnomAD v4.1: 29 of 1,209,922 alleles (0.0024%); highest among the groups gnomAD compares: East Asian, 0.003%; no homozygotes.

Submissions (2):

PreventionGenetics, part of Exact Sciences
Classification: Uncertain significance for ANOS1-related condition. Last evaluated: 2024-01-19. Review status: no assertion criteria provided. Collection method: clinical testing. Allele origin: germline.
Comment: The ANOS1 c.1111G>A variant is predicted to result in the amino acid substitution p.Val371Ile. This variant has been reported in at least one individual with hypothalamic amenorrhea (Caronia et al. 2011. PubMed ID:21247312; Delaney et al. 2021. PubMed ID:32870266). This variant is reported in 0.0024% of alleles in individuals of European (Non-Finnish) descent in gnomAD. At this time, the clinical significance of this variant is uncertain due to the absence of conclusive functional and genetic evidence.

Yale Center for Mendelian Genomics, Yale University
Classification: Uncertain significance for Amenorrhea. Last evaluated: 2021-03-08. Review status: no assertion criteria provided. Collection method: literature only. Allele origin: unknown. Affected: yes. Observed: 1 heterozygote. Study: Yale Center for Mendelian Genomics.

Literature cited by the submitters: PubMed 32870266 (cited by Yale Center for Mendelian Genomics, Yale University).